The following is an entry in ClinVar:

ClinVar aggregate classification (germline): Likely benign (1 of 4 stars; one submission).

Conditions:
NCAPD3-related disorder. Also called: NCAPD3-related condition.

gnomAD v4.1: 290 of 1,613,590 alleles (0.018%); highest among the groups gnomAD compares: Admixed American, 0.067%; no homozygotes.

Submission:

PreventionGenetics, part of Exact Sciences
Classification: Likely benign for NCAPD3-related condition. Last evaluated: 2024-11-12. Review status: criteria provided, single submitter. Criteria: ACMG Guidelines, 2015. Collection method: clinical testing. Allele origin: germline.
Comment: This variant is classified as likely benign based on ACMG/AMP sequence variant interpretation guidelines (Richards et al. 2015 PMID: 25741868, with internal and published modifications).

NM_015261.3(NCAPD3):c.3828C>T (p.Ala1276=)

Gene: NCAPD3 (non-SMC condensin II complex subunit D3; minus strand). Cytogenetic location: 11q25.
Variant type: single nucleotide variant.
Coding change: c.3828C>T on transcript NM_015261.3 (MANE Select); coding-DNA position 3828, C replaced by T.
Protein change: p.Ala1276=; no amino-acid change (alanine 1276 retained).
Molecular consequence: synonymous variant.
Genome position (GRCh38, 1-based): chr11:134,159,931, G>A on the plus strand (C>T on the coding strand, the complement: NCAPD3 is on the minus strand). VCF-style: chr11-134159931-G-A. GRCh37 (hg19) VCF-style: chr11-134029826-G-A.
Other names: c.3828C>T, p.Ala1276= (NM_001372065.1, NM_001372068.1); c.3414C>T, p.Ala1138= (NM_001372069.1, NM_001372070.1).
Identifiers: ClinVar variation 4980927 (VCV004980927.1).